The following is an entry in ClinVar:

NM_014727.3(KMT2B):c.527C>T (p.Thr176Ile)

Gene: KMT2B (lysine methyltransferase 2B; plus strand). Cytogenetic location: 19q13.12.
Variant type: single nucleotide variant.
Coding change: c.527C>T on transcript NM_014727.3 (MANE Select); coding-DNA position 527, C replaced by T.
Protein change: p.Thr176Ile; replaces threonine 176 with isoleucine.
Molecular consequence: missense variant.
Genome position (GRCh38, 1-based): chr19:35,719,874, C>T. VCF-style: chr19-35719874-C-T. GRCh37 (hg19) VCF-style: chr19-36210776-C-T.
Other names: short protein forms T176I.
Identifiers: ClinVar variation 2804447 (VCV002804447.3), dbSNP rs1182016146, ClinGen allele CA405378873.

ClinVar aggregate classification (germline): Uncertain significance (1 of 4 stars; one submission).

Allele frequency attached by ClinVar (database versions not stated): gnomAD 0.00001; gnomAD exomes 0.00001.

Submission:

Labcorp Genetics (formerly Invitae), Labcorp
Classification: Uncertain significance. Last evaluated: 2026-01-05. Review status: criteria provided, single submitter. Criteria: Invitae Variant Classification Sherloc (09022015). Collection method: clinical testing. Allele origin: germline.
Comment: This sequence change replaces threonine, which is neutral and polar, with isoleucine, which is neutral and non-polar, at codon 176 of the KMT2B protein (p.Thr176Ile). This variant is present in population databases (no rsID available, gnomAD 0.003%). This variant has not been reported in the literature in individuals affected with KMT2B-related conditions. ClinVar contains an entry for this variant (Variation ID: 2804447). Invitae Evidence Modeling of protein sequence and biophysical properties (such as structural, functional, and spatial information, amino acid conservation, physicochemical variation, residue mobility, and thermodynamic stability) indicates that this missense variant is not expected to disrupt KMT2B protein function with a negative predictive value of 95%. In summary, the available evidence is currently insufficient to determine the role of this variant in disease. Therefore, it has been classified as a Variant of Uncertain Significance.